The following is an entry in ClinVar:

ClinVar aggregate classification (germline): Uncertain significance (1 of 4 stars; one submission).

Conditions:
Hereditary cancer-predisposing syndrome. Also called: Hereditary neoplastic syndrome; Neoplastic Syndromes, Hereditary; Tumor predisposition; Hereditary Cancer Syndrome. Identifiers: Orphanet 140162, MedGen C0027672, MeSH D009386, MONDO:0015356.

Submission:

Ambry Genetics
Classification: Uncertain significance for Hereditary cancer-predisposing syndrome. Last evaluated: 2025-01-30. Review status: criteria provided, single submitter. Criteria: Ambry Variant Classification Scheme 2023. Collection method: clinical testing. Allele origin: germline.
Comment: The p.Y900H variant (also known as c.2698T>C), located in coding exon 20 of the KIT gene, results from a T to C substitution at nucleotide position 2698. The tyrosine at codon 900 is replaced by histidine, an amino acid with similar properties. This amino acid position is conserved. In addition, this alteration is predicted to be deleterious by in silico analysis. Based on the available evidence, the clinical significance of this variant remains unclear.

NM_000222.3(KIT):c.2698T>C (p.Tyr900His)

Gene: KIT (KIT proto-oncogene, receptor tyrosine kinase; plus strand). Cytogenetic location: 4q12.
Variant type: single nucleotide variant.
Coding change: c.2698T>C on transcript NM_000222.3 (MANE Select); coding-DNA position 2698, T replaced by C.
Protein change: p.Tyr900His; replaces tyrosine 900 with histidine.
Molecular consequence: missense variant.
Genome position (GRCh38, 1-based): chr4:54,737,176, T>C. VCF-style: chr4-54737176-T-C. GRCh37 (hg19) VCF-style: chr4-55603342-T-C.
Other names: c.2686T>C, p.Tyr896His (NM_001093772.2, NM_001385292.1); c.2701T>C, p.Tyr901His (NM_001385284.1); c.2695T>C, p.Tyr899His (NM_001385285.1); c.2683T>C, p.Tyr895His (NM_001385286.1); c.2689T>C, p.Tyr897His (NM_001385288.1); c.2698T>C, p.Tyr900His (NM_001385290.1); short protein forms Y897H, Y901H, Y899H, Y900H, Y896H, Y895H.
Identifiers: ClinVar variation 3864539 (VCV003864539.1).